The following is an entry in ClinVar:

NM_015631.6(TCTN3):c.28C>T (p.Gln10Ter)

Genes: TCTN3 (tectonic family member 3; minus strand), LOC130004408 (ATAC-STARR-seq lymphoblastoid active region 3801; plus strand). Cytogenetic location: 10q24.1.
Variant type: single nucleotide variant.
Coding change: c.28C>T on transcript NM_015631.6 (MANE Select); coding-DNA position 28, C replaced by T.
Protein change: p.Gln10Ter; replaces glutamine 10 with a stop codon.
Molecular consequence: nonsense.
Genome position (GRCh38, 1-based): chr10:95,693,872, G>A on the plus strand (C>T on the coding strand, the complement: TCTN3 is on the minus strand). VCF-style: chr10-95693872-G-A. GRCh37 (hg19) VCF-style: chr10-97453629-G-A.
Other names: c.82C>T, p.Gln28Ter (NM_001013840.1); c.28C>T, p.Gln10Ter (NM_001143973.2, NM_001410982.1); short protein forms Q28*, Q10*.
Identifiers: ClinVar variation 2927732 (VCV002927732.3), dbSNP rs1262446492, ClinGen allele CA377714501.

ClinVar aggregate classification (germline): Pathogenic (1 of 4 stars; one submission).

Conditions:
Joubert syndrome 18 (JBTS18). Identifiers: Orphanet 2754, MedGen C3553758, MONDO:0013896, OMIM 614815.
Orofacial-digital syndrome IV (OFD4). Also called: BARAITSER-BURN SYNDROME; OFD SYNDROME WITH TIBIAL DEFECTS; OFD SYNDROME, BARAITSER-BURN TYPE; OFDS IV; ORAL-FACIAL-DIGITAL SYNDROME, TYPE IV; Orofaciodigital syndrome IV. Identifiers: Orphanet 2753, MedGen C0406727, MONDO:0009794, OMIM 258860.

Allele frequency attached by ClinVar (database versions not stated): TOPMed below 0.00001.

Submission:

Labcorp Genetics (formerly Invitae), Labcorp
Classification: Pathogenic for Joubert syndrome 18; Orofacial-digital syndrome IV. Last evaluated: 2023-05-20. Review status: criteria provided, single submitter. Criteria: Invitae Variant Classification Sherloc (09022015). Collection method: clinical testing. Allele origin: germline.
Comment: For these reasons, this variant has been classified as Pathogenic. Algorithms developed to predict the effect of sequence changes on RNA splicing suggest that this variant may create or strengthen a splice site. This variant has not been reported in the literature in individuals affected with TCTN3-related conditions. This variant is not present in population databases (gnomAD no frequency). This sequence change creates a premature translational stop signal (p.Gln10*) in the TCTN3 gene. It is expected to result in an absent or disrupted protein product. Loss-of-function variants in TCTN3 are known to be pathogenic (PMID: 2692869, 22883145, 25118024).

Literature cited by the submitters: PubMed 2692869; PubMed 22883145; PubMed 25118024.